The following is an entry in ClinVar:

ClinVar aggregate classification (germline): Uncertain significance (1 of 4 stars; one submission).

Submission:

GeneDx
Classification: Uncertain significance. Last evaluated: 2021-03-11. Review status: criteria provided, single submitter. Criteria: GeneDx Variant Classification Process June 2021. Collection method: clinical testing. Allele origin: germline. Affected: yes.
Comment: Has not been previously published as pathogenic or benign to our knowledge; Not observed in large population cohorts (Lek et al., 2016); In silico analysis, which includes protein predictors and evolutionary conservation, supports that this variant does not alter protein structure/function; Reported in ClinVar as a variant of uncertain significance (ClinVar Variant ID# 1017645; Landrum et al., 2016)

NM_053025.4(MYLK):c.2996G>A (p.Ser999Asn)

Gene: MYLK (myosin light chain kinase; minus strand). Cytogenetic location: 3q21.1.
Variant type: single nucleotide variant.
Coding change: c.2996G>A on transcript NM_053025.4 (MANE Select); coding-DNA position 2996, G replaced by A.
Protein change: p.Ser999Asn; replaces serine 999 with asparagine.
Molecular consequence: missense variant.
Genome position (GRCh38, 1-based): chr3:123,700,472, C>T on the plus strand (G>A on the coding strand, the complement: MYLK is on the minus strand). VCF-style: chr3-123700472-C-T. GRCh37 (hg19) VCF-style: chr3-123419319-C-T.
Other names: c.2468G>A, p.Ser823Asn (NM_001321309.2); c.2789G>A, p.Ser930Asn (NM_053026.4, NM_053028.4); c.2996G>A, p.Ser999Asn (NM_053027.4); short protein forms S823N, S930N, S999N.
Identifiers: ClinVar variation 1315812 (VCV001315812.2), dbSNP rs764348039, ClinGen allele CA354230375.